The following is an entry in ClinVar:

ClinVar aggregate classification (germline): Pathogenic. Review status: no assertion criteria provided (0 of 4 stars). 2 submissions from 1 submitter: Pathogenic (1). 1 of the submissions does not count toward it. Last evaluated 2010-05-27.

Submissions (2):

ISCA site 4
Classification: Pathogenic. Last evaluated: 2010-05-27. Review status: no assertion criteria provided. Collection method: clinical testing. Allele origin: unknown. Affected: yes. Observed: 2 variant alleles.

ISCA site 4
Classification: Pathogenic. Last evaluated: 2011-08-12. Review status: flagged submission. Criteria: Kaminsky et al. (Genet Med. 2011). Collection method: clinical testing. Allele origin: unknown. Affected: yes. Observed: 1 variant allele. Not counted in ClinVar's aggregate classification.
Comment: Copy number variation identified through the course of routine clinical cytogenomic testing in postnatal populations. Clinical assertions have been curated as described in Kaminsky et al. 2011.
ClinVar note: Reason: This record appears to be redundant with a more recent record from the same submitter.
ClinVar note: Notes: SCV000190717 appears to be redundant with SCV000173031.

GRCh38/hg38 22q11.21(chr22:18339130-20671425)x1

Genes: ARVCF (ARVCF delta catenin family member; minus strand), C22orf39 (chromosome 22 open reading frame 39; minus strand), CCDC188 (coiled-coil domain containing 188; minus strand), CDC45 (cell division cycle 45; plus strand), CLDN5 (claudin 5; minus strand) and 146 more. Cytogenetic location: 22q11.21.
Variant type: copy number loss.
Change: copy number 1 (one copy instead of two) of chr22:18,339,130-20,671,425 (2.33 Mb, GRCh38 coordinates, 1-based), cytogenetic band 22q11.21.
Identifiers: ClinVar variation 33352 (VCV000033352.3).